The following is an entry in ClinVar:

ClinVar aggregate classification (germline): Likely benign. Review status: criteria provided, single submitter (1 of 4 stars). 2 submissions from 2 submitters: Likely benign (1). 1 of the submissions does not count toward it. Last evaluated 2025-11-10.

Conditions:
PLXNA2-related disorder. Also called: PLXNA2-related condition.

Allele frequency attached by ClinVar (database versions not stated): ExAC 0.00006; ESP Exome Variant Server 0.00008.
gnomAD v4.1: 42 of 1,612,972 alleles (0.0026%); highest among the groups gnomAD compares: Admixed American, 0.042%; no homozygotes.

Submissions (2):

Labcorp Genetics (formerly Invitae), Labcorp
Classification: Likely benign. Last evaluated: 2025-11-10. Review status: criteria provided, single submitter. Criteria: Invitae Variant Classification Sherloc (09022015). Collection method: clinical testing. Allele origin: germline.

PreventionGenetics, part of Exact Sciences
Classification: Likely benign for PLXNA2-related condition. Last evaluated: 2023-07-07. Review status: no assertion criteria provided. Collection method: clinical testing. Allele origin: germline. Not counted in ClinVar's aggregate classification.
Comment: This variant is classified as likely benign based on ACMG/AMP sequence variant interpretation guidelines (Richards et al. 2015 PMID: 25741868, with internal and published modifications).

NM_025179.4(PLXNA2):c.3648G>A (p.Val1216=)

Gene: PLXNA2 (plexin A2; minus strand). Cytogenetic location: 1q32.2.
Variant type: single nucleotide variant.
Coding change: c.3648G>A on transcript NM_025179.4 (MANE Select); coding-DNA position 3648, G replaced by A.
Protein change: p.Val1216=; no amino-acid change (valine 1216 retained).
Molecular consequence: synonymous variant.
Genome position (GRCh38, 1-based): chr1:208,044,734, C>T on the plus strand (G>A on the coding strand, the complement: PLXNA2 is on the minus strand). VCF-style: chr1-208044734-C-T. GRCh37 (hg19) VCF-style: chr1-208218079-C-T.
Other names: c.3648G>A (NM_025179.3).
Identifiers: ClinVar variation 1609365 (VCV001609365.10), dbSNP rs373005439, ClinGen allele CA1373104.